The following is an entry in ClinVar:

NM_000810.4(GABRA5):c.212G>A (p.Arg71His)

Gene: GABRA5 (gamma-aminobutyric acid type A receptor subunit alpha5; plus strand). Cytogenetic location: 15q12.
Variant type: single nucleotide variant.
Coding change: c.212G>A on transcript NM_000810.4 (MANE Select); coding-DNA position 212, G replaced by A.
Protein change: p.Arg71His; replaces arginine 71 with histidine.
Molecular consequence: missense variant.
Genome position (GRCh38, 1-based): chr15:26,883,169, G>A. VCF-style: chr15-26883169-G-A. GRCh37 (hg19) VCF-style: chr15-27128316-G-A.
Other names: c.212G>A, p.Arg71His (NM_001165037.2); short protein forms R71H.
Identifiers: ClinVar variation 3772078 (VCV003772078.13).

ClinVar aggregate classification (germline): Likely benign (1 of 4 stars; one submission).

gnomAD v4.1: 27 of 1,613,428 alleles (0.0017%); highest among the groups gnomAD compares: Non-Finnish European, 0.00093%; no homozygotes.

Submission:

CeGaT Center for Human Genetics Tuebingen
Classification: Likely benign. Last evaluated: 2024-12-01. Review status: criteria provided, single submitter. Criteria: CeGaT Center For Human Genetics Tuebingen Variant Classification Criteria Version 2. Collection method: clinical testing. Allele origin: germline. Affected: yes. Observed: 1 variant allele.
Comment: GABRA5: BP5